The following is an entry in ClinVar:

ClinVar aggregate classification (germline): Uncertain significance (1 of 4 stars; one submission).

Submission:

GeneDx
Classification: Uncertain significance. Last evaluated: 2026-02-27. Review status: criteria provided, single submitter. Criteria: GeneDx Variant Classification Process June 2021. Collection method: clinical testing. Allele origin: germline.
Comment: Not observed at significant frequency in large population cohorts (gnomAD); In silico analysis suggests that this missense variant does not alter protein structure/function; Has not been previously published as pathogenic or benign to our knowledge

NM_001303256.3(MORC2):c.1547A>G (p.Glu516Gly)

Gene: MORC2 (MORC family CW-type zinc finger 2; minus strand). Cytogenetic location: 22q12.2.
Variant type: single nucleotide variant.
Coding change: c.1547A>G on transcript NM_001303256.3 (MANE Select); coding-DNA position 1547, A replaced by G.
Protein change: p.Glu516Gly; replaces glutamic acid 516 with glycine.
Molecular consequence: missense variant.
Genome position (GRCh38, 1-based): chr22:30,936,989, T>C on the plus strand (A>G on the coding strand, the complement: MORC2 is on the minus strand). VCF-style: chr22-30936989-T-C. GRCh37 (hg19) VCF-style: chr22-31332976-T-C.
Other names: c.1547A>G, p.Glu516Gly (NM_001303257.2); c.1361A>G, p.Glu454Gly (NM_014941.3); short protein forms E516G, E454G.
Identifiers: ClinVar variation 5008199 (VCV005008199.1).